The following is an entry in ClinVar:

ClinVar aggregate classification (germline): Benign. Review status: criteria provided, multiple submitters, no conflicts (2 of 4 stars). 6 submissions from 5 submitters: Benign (5). 1 of the submissions does not count toward it. Last evaluated 2023-11-02.

Conditions:
ATR-related disorder. Also called: ATR-related condition.
Familial cutaneous telangiectasia and oropharyngeal predisposition cancer syndrome. Identifiers: Orphanet 313846, MedGen C3281203, MONDO:0013806, OMIM 614564.
Seckel syndrome 1 (SCKL1). Also called: MICROCEPHALIC PRIMORDIAL DWARFISM I. Identifiers: Orphanet 808, MedGen C4551474, MONDO:0008869, OMIM 210600.

Allele frequency attached by ClinVar (database versions not stated): gnomAD 0.01173 and 0.01256; 1000 Genomes Project 30x 0.01359; ExAC 0.00965; gnomAD exomes 0.01858; ESP Exome Variant Server 0.01118.

Submissions (6):

ARUP Laboratories, Molecular Genetics and Genomics, ARUP Laboratories
Classification: Benign. Last evaluated: 2023-11-02. Review status: criteria provided, single submitter. Criteria: ARUP Molecular Germline Variant Investigation Process 2024. Collection method: clinical testing. Allele origin: germline.

Genome-Nilou Lab
Classification: Benign for Seckel syndrome 1. Last evaluated: 2023-02-08. Review status: criteria provided, single submitter. Criteria: ACMG Guidelines, 2015. Collection method: clinical testing. Allele origin: germline.

Genome-Nilou Lab
Classification: Benign for Familial cutaneous telangiectasia and oropharyngeal predisposition cancer syndrome. Last evaluated: 2023-02-08. Review status: criteria provided, single submitter. Criteria: ACMG Guidelines, 2015. Collection method: clinical testing. Allele origin: germline.

Labcorp Genetics (formerly Invitae), Labcorp
Classification: Benign. Last evaluated: 2019-08-16. Review status: criteria provided, single submitter. Criteria: Invitae Variant Classification Sherloc (09022015). Collection method: clinical testing. Allele origin: germline.

Eurofins Ntd Llc (ga)
Classification: Benign. Last evaluated: 2014-11-14. Review status: criteria provided, single submitter. Criteria: EGL Classification Definitions 2015. Collection method: clinical testing. Allele origin: germline. Observed: 1 variant allele, 1 heterozygote.

PreventionGenetics, part of Exact Sciences
Classification: Benign for ATR-related condition. Last evaluated: 2021-06-28. Review status: no assertion criteria provided. Collection method: clinical testing. Allele origin: germline. Not counted in ClinVar's aggregate classification.
Comment: This variant is classified as benign based on ACMG/AMP sequence variant interpretation guidelines (Richards et al. 2015 PMID: 25741868, with internal and published modifications).

NM_001184.4(ATR):c.5739-7_5739-6del

Gene: ATR (ATR checkpoint kinase; minus strand). Cytogenetic location: 3q23.
Variant type: Deletion.
Coding change: c.5739-7_5739-6del on transcript NM_001184.4 (MANE Select); 7 bases into the intron before coding-DNA position 5739 through 6 bases into the intron before coding-DNA position 5739, 2 bases deleted (CC; older notation c.5739-7_5739-6delCC).
Molecular consequence: intron variant.
Genome position (GRCh38, 1-based): chr3:142,496,526-142,496,527, GG deleted on the plus strand (CC on the coding strand, the reverse complement: ATR is on the minus strand). VCF-style (leftmost placement, unchanged base first): chr3-142496525-AGG-A. GRCh37 (hg19) VCF-style: chr3-142215367-AGG-A.
Other names: c.5547-7_5547-6del (NM_001354579.2); c.5739-7_5739-6del (NM_001184.3).
Identifiers: ClinVar variation 196886 (VCV000196886.25), dbSNP rs72371423, ClinGen allele CA202622.